The following is an entry in ClinVar:

ClinVar aggregate classification (germline): Pathogenic (1 of 4 stars; one submission).

Submission:

GeneDx
Classification: Pathogenic. Last evaluated: 2026-08-06. Review status: criteria provided, single submitter. Criteria: GeneDx Variant Classification Process June 2021. Collection method: clinical testing. Allele origin: germline.
Comment: Not observed at significant frequency in large population cohorts (gnomAD); In silico analysis supports that this missense variant has a deleterious effect on protein structure/function; This variant is associated with the following publications: (PMID: 33057194, 37500730, 35982159, 40019509)

NM_001374828.1(ARID1B):c.6775T>C (p.Ser2259Pro)

Gene: ARID1B (AT-rich interaction domain 1B; plus strand). Cytogenetic location: 6q25.3.
Variant type: single nucleotide variant.
Coding change: c.6775T>C on transcript NM_001374828.1 (MANE Select); coding-DNA position 6775, T replaced by C.
Protein change: p.Ser2259Pro; replaces serine 2259 with proline.
Molecular consequence: missense variant.
Genome position (GRCh38, 1-based): chr6:157,207,547, T>C. VCF-style: chr6-157207547-T-C. GRCh37 (hg19) VCF-style: chr6-157528681-T-C.
Other names: c.6406T>C, p.Ser2136Pro (NM_020732.3); c.4276T>C, p.Ser1426Pro (NM_001363725.2); c.6655T>C, p.Ser2219Pro (NM_001371656.1, NM_001374820.1); c.6616T>C, p.Ser2206Pro (NM_017519.3); short protein forms S2136P, S1426P, S2206P, S2219P, S2259P.
Identifiers: ClinVar variation 384093 (VCV000384093.3), dbSNP rs1057521854, ClinGen allele CA16605064.
Genomic context (GRCh38, chr6:157,207,547, plus strand): 5'-GTTAGGTACGTTGGGGATCGCAAAAACCCAGTCTGTCGAGAAATGTCCATGGCGCTTTTA[T>C]CGAACCTTGCCCAAGGGGACGCACTAGCAGCAAGGGCCATAGCTGTGCAGAAAGGAAGCA-3'
Protein context (NP_001361757.1, residues 2249-2269): VCREMSMALL[Ser2259Pro]NLAQGDALAA